The following is an entry in ClinVar:

NM_033056.4(PCDH15):c.4403_4418dup (p.Ser1473_Glu1474insLysTer)

Gene: PCDH15 (protocadherin related 15; minus strand). Cytogenetic location: 10q21.1.
Variant type: Duplication.
Coding change: c.4403_4418dup on transcript NM_033056.4 (MANE Plus Clinical); coding-DNA positions 4403 to 4418, 16 bases duplicated (GAAATAACTCAGTCTC).
Protein change: p.Ser1473_Glu1474insLysTer.
Molecular consequence: nonsense, inframe insertion. On other transcripts: intron variant (8).
Genome position (GRCh38, 1-based): chr10:53,823,308-53,823,323, GAGACTGAGTTATTTC duplicated on the plus strand (GAAATAACTCAGTCTC on the coding strand, the reverse complement: PCDH15 is on the minus strand). VCF-style (leftmost placement, unchanged base first): chr10-53823307-T-TGAGACTGAGTTATTTC. GRCh37 (hg19) VCF-style: chr10-55583067-T-TGAGACTGAGTTATTTC.
Other names: c.4424_4439dup, p.Ser1480_Glu1481insLysTer (NM_001142763.2); c.4409_4424dup, p.Ser1475_Glu1476insLysTer (NM_001142764.2); c.4196_4211dup, p.Ser1404_Glu1405insLysTer (NM_001142765.2); c.4394_4409dup, p.Ser1470_Glu1471insLysTer (NM_001142766.2); c.4283_4298dup, p.Ser1433_Glu1434insLysTer (NM_001142767.2); c.4343_4358dup, p.Ser1453_Glu1454insLysTer (NM_001142768.2); c.4334_4349dup, p.Ser1450_Glu1451insLysTer (NM_001142773.2); c.4337_4352dup, p.Ser1451_Glu1452insLysTer (NM_001354404.2); and 6 more.
Identifiers: ClinVar variation 1451872 (VCV001451872.6), dbSNP rs1326692199, ClinGen allele CA666433373.

ClinVar aggregate classification (germline): Pathogenic (1 of 4 stars; one submission).

Allele frequency attached by ClinVar (database versions not stated): gnomAD 0.00001; TOPMed 0.00001; gnomAD exomes 0.00001.

Submission:

Labcorp Genetics (formerly Invitae), Labcorp
Classification: Pathogenic. Last evaluated: 2022-04-24. Review status: criteria provided, single submitter. Criteria: Invitae Variant Classification Sherloc (09022015). Collection method: clinical testing. Allele origin: germline.
Comment: This sequence change creates a premature translational stop signal (p.Glu1474Lysfs*2) in the PCDH15 gene. While this is not anticipated to result in nonsense mediated decay, it is expected to disrupt the last 482 amino acid(s) of the PCDH15 protein. This variant is not present in population databases (gnomAD no frequency). This variant has not been reported in the literature in individuals affected with PCDH15-related conditions. For these reasons, this variant has been classified as Pathogenic. This variant disrupts a region of the PCDH15 protein in which other variant(s) (p.Gln1576*) have been determined to be pathogenic (PMID: 28281779). This suggests that this is a clinically significant region of the protein, and that variants that disrupt it are likely to be disease-causing.

Literature cited by the submitters: PubMed 28281779.